The following is an entry in ClinVar:

NM_000059.4(BRCA2):c.1485TTC[1] (p.Ser497del)

Gene: BRCA2 (BRCA2 DNA repair associated; plus strand). Cytogenetic location: 13q13.1.
Variant type: Microsatellite.
Coding change: c.1485TTC[1] on transcript NM_000059.4 (MANE Select); one copy of the 3-base unit TTC starting at c.1485; the reference has two copies in a row; one copy, 3 bases deleted.
Protein change: p.Ser497del; deletes serine 497.
Molecular consequence: inframe deletion. On other transcripts: inframe indel (2), non-coding transcript variant (1), intron variant (1).
Genome position (GRCh38, 1-based): chr13:32,332,966-32,332,968, TTC deleted; deleting any 3 consecutive bases within chr13:32,332,962-32,332,968 gives the same sequence; the position shown is the placement nearest the transcript's 3' end. VCF-style (leftmost placement, unchanged base first): chr13-32332961-GCTT-G. GRCh37 (hg19) VCF-style: chr13-32907098-GCTT-G.
Other names: c.1485_1487TTC[1], p.Ser497del (NM_000059.3); c.1485TTC[1], p.Ser497del (NM_001406719.1, NM_001406720.1, NM_001406721.1); c.424+1936_424+1938del (NM_001406722.1); c.1488_1490delTTC (NM_000059.3); short protein forms S497del.
Identifiers: ClinVar variation 3261548 (VCV003261548.2).

ClinVar aggregate classification (germline): Uncertain significance. Review status: criteria provided, multiple submitters, no conflicts (2 of 4 stars). 2 submissions from 2 submitters: Uncertain significance (2). Last evaluated 2025-09-13.

Conditions:
Hereditary breast ovarian cancer syndrome. Also called: Hereditary breast and ovarian cancer; Hereditary breast and ovarian cancer syndrome (HBOC); BRCA1- and BRCA2-Associated Hereditary Breast and Ovarian Cancer; Hereditary breast and ovarian cancer syndrome; Hereditary breast and/or ovarian cancer syndrome; Breast and ovarian cancer. Identifiers: Orphanet 145, MedGen C0677776, MeSH D061325, MONDO:0003582. Disease mechanism: loss of function.
Hereditary cancer-predisposing syndrome. Also called: Hereditary Cancer Syndrome; Tumor predisposition; Hereditary neoplastic syndrome; Neoplastic Syndromes, Hereditary. Identifiers: Orphanet 140162, MedGen C0027672, MeSH D009386, MONDO:0015356.

Submissions (2):

Labcorp Genetics (formerly Invitae), Labcorp
Classification: Uncertain significance for Hereditary breast ovarian cancer syndrome. Last evaluated: 2025-09-13. Review status: criteria provided, single submitter. Criteria: Invitae Variant Classification Sherloc (09022015). Collection method: clinical testing. Allele origin: germline.
Comment: This variant, c.1488_1490del, results in the deletion of 1 amino acid(s) of the BRCA2 protein (p.Ser497del), but otherwise preserves the integrity of the reading frame. This variant is not present in population databases (gnomAD no frequency). This variant has not been reported in the literature in individuals affected with BRCA2-related conditions. Experimental studies and prediction algorithms are not available or were not evaluated, and the functional significance of this variant is currently unknown. In summary, the available evidence is currently insufficient to determine the role of this variant in disease. Therefore, it has been classified as a Variant of Uncertain Significance.

Ambry Genetics
Classification: Uncertain significance for Hereditary cancer-predisposing syndrome. Last evaluated: 2024-03-27. Review status: criteria provided, single submitter. Criteria: Ambry Variant Classification Scheme 2023. Collection method: clinical testing. Allele origin: germline.
Comment: The c.1488_1490delTTC variant (also known as p.S497del) is located in coding exon 9 of the BRCA2 gene. This variant results from an in-frame TTC deletion at nucleotide positions 1488 to 1490. This results in the in-frame deletion of a serine at codon 497. This amino acid position is poorly conserved in available vertebrate species. In addition, this alteration is predicted to be neutral by in silico analysis (Choi Y et al. PLoS ONE. 2012; 7(10):e46688). Based on the available evidence, the clinical significance of this alteration remains unclear.